The following is an entry in ClinVar:

ClinVar aggregate classification (germline): Benign (1 of 4 stars; one submission).

Allele frequency attached by ClinVar (database versions not stated): 1000 Genomes Project 30x 0.00062; 1000 Genomes Project 0.00080; ExAC 0.00438.
gnomAD v4.1: 13,135 of 1,536,030 alleles (0.86%); highest among the groups gnomAD compares: Non-Finnish European, 1%; 64 homozygotes.

Submission:

CeGaT Center for Human Genetics Tuebingen
Classification: Benign. Last evaluated: 2023-02-01. Review status: criteria provided, single submitter. Criteria: CeGaT Center For Human Genetics Tuebingen Variant Classification Criteria Version 2. Collection method: clinical testing. Allele origin: germline. Affected: yes. Observed: 3 variant alleles.
Comment: C4orf54: BS1, BS2

NM_001354435.2(C4orf54):c.384C>T (p.Ser128=)

Gene: C4orf54 (chromosome 4 open reading frame 54; minus strand). Cytogenetic location: 4q23.
Variant type: single nucleotide variant.
Coding change: c.384C>T on transcript NM_001354435.2 (MANE Select); coding-DNA position 384, C replaced by T.
Protein change: p.Ser128=; no amino-acid change (serine 128 retained).
Molecular consequence: synonymous variant.
Genome position (GRCh38, 1-based): chr4:99,654,265, G>A on the plus strand (C>T on the coding strand, the complement: C4orf54 is on the minus strand). VCF-style: chr4-99654265-G-A. GRCh37 (hg19) VCF-style: chr4-100575422-G-A.
Identifiers: ClinVar variation 2654977 (VCV002654977.24), dbSNP rs150080186, ClinGen allele CA3022745.
Genomic context (GRCh38, chr4:99,654,265, plus strand): 5'-GGCAGCTTCCATTATGAGCCCTTGCCCAGGTTTCAGCGACAGGAAGAGACAATGGTGATC[G>A]CTGGGGAAGTCTTGGGTCCGTCTCTGGCCCCGGAGGGGCTGCAGAGTTGCCCGAAGCAGG-3'
Protein context (NP_001341364.1, residues 118-138): RGQRRTQDFP[Ser128=]DHHCLFLSLK